The following is an entry in ClinVar:

NM_000426.4(LAMA2):c.6065dup (p.Leu2023fs)

Gene: LAMA2 (laminin subunit alpha 2; plus strand). Cytogenetic location: 6q22.33.
Variant type: Duplication.
Coding change: c.6065dup on transcript NM_000426.4 (MANE Select); coding-DNA position 6065, one base duplicated (A; older notation c.6065dupA).
Protein change: p.Leu2023fs; shifts the reading frame from leucine 2023.
Molecular consequence: frameshift variant.
Genome position (GRCh38, 1-based): chr6:129,438,742, A duplicated; the last of 3 consecutive A bases (chr6:129,438,740-129,438,742); duplicating any one gives the same sequence. VCF-style (leftmost placement, unchanged base first): chr6-129438739-G-GA. GRCh37 (hg19) VCF-style: chr6-129759884-G-GA.
Other names: c.6065dup, p.Leu2023fs (NM_001079823.2); short protein forms L2023fs.
Identifiers: ClinVar variation 5013785 (VCV005013785.1).

ClinVar aggregate classification (germline): Pathogenic (1 of 4 stars; one submission).

Conditions:
LAMA2-related muscular dystrophy (LAMA2-RD). Also called: Laminin alpha 2-related dystrophy. Identifiers: MedGen C5679788, MONDO:0100228.

Submission:

Myriad Genetics, Inc.
Classification: Pathogenic for LAMA2-related muscular dystrophy. Last evaluated: 2024-11-22. Review status: criteria provided, single submitter. Criteria: Myriad Autosomal Dominant, Autosomal Recessive and X-Linked Classification Criteria (2023). Collection method: clinical testing. Allele origin: unknown.
Comment: NM_000426.3(LAMA2):c.6065dupA(L2023Vfs*7) is expected to be pathogenic in the context of muscular dystrophy, LAMA2-related. This variant is predicted to lead to an abnormal or absent protein product due to the creation of a premature termination codon in LAMA2, a gene where loss-of-function variants are known to be pathogenic. Please note: this variant was assessed in the context of healthy population screening.